The following is an entry in ClinVar:

NM_000256.3(MYBPC3):c.906-35G>T

Gene: MYBPC3 (myosin binding protein C3; minus strand). Cytogenetic location: 11p11.2.
Variant type: single nucleotide variant.
Coding change: c.906-35G>T on transcript NM_000256.3 (MANE Select); 35 bases into the intron before coding-DNA position 906, G replaced by T.
Molecular consequence: intron variant.
Genome position (GRCh38, 1-based): chr11:47,347,064, C>A on the plus strand (G>T on the coding strand, the complement: MYBPC3 is on the minus strand). VCF-style: chr11-47347064-C-A. GRCh37 (hg19) VCF-style: chr11-47368615-C-A.
Identifiers: ClinVar variation 2773759 (VCV002773759.3), dbSNP rs771492949, ClinGen allele CA057251.

ClinVar aggregate classification (germline): Likely benign. Review status: criteria provided, multiple submitters, no conflicts (2 of 4 stars). 2 submissions from 2 submitters: Likely benign (2). Last evaluated 2024-09-13.

Conditions:
Cardiomyopathy (CMYO). Also called: Cardiomyopathies. Identifiers: Orphanet 167848, MedGen C0878544, MONDO:0004994, HP:0001638. Inheritance: Various modes of inheritance.
Hypertrophic cardiomyopathy. Also called: HYPERTROPHIC MYOCARDIOPATHY. Identifiers: Orphanet 217569, MedGen C0007194, MeSH D002312, MONDO:0005045, HP:0001639.

Allele frequency attached by ClinVar (database versions not stated): gnomAD exomes 0.00002; ExAC 0.00001; TOPMed 0.00001.
gnomAD v4.1: 13 of 864,260 alleles (0.0015%); highest among the groups gnomAD compares: East Asian, 0.031%; no homozygotes.

Submissions (2):

All of Us Research Program, National Institutes of Health
Classification: Likely benign for Hypertrophic cardiomyopathy. Last evaluated: 2024-09-13. Review status: criteria provided, single submitter. Criteria: ACMG Guidelines, 2015. Collection method: clinical testing. Allele origin: germline. Inheritance: Autosomal dominant inheritance. Observed: 1 variant allele, 1 heterozygote.
Comment: This study involves interpretation of variants in research participants for the purpose of population health screening. Participant phenotype was not available at the time of variant classification. Additional details can be found in publication PMID: 35346344, PMCID: PMC8962531

Color Diagnostics, LLC DBA Color Health
Classification: Likely benign for Cardiomyopathy. Last evaluated: 2024-08-23. Review status: criteria provided, single submitter. Criteria: ACMG Guidelines, 2015. Collection method: clinical testing. Allele origin: germline.